The following is an entry in ClinVar:

ClinVar aggregate classification (germline): Uncertain significance (1 of 4 stars; one submission).

Conditions:
Cornelia de Lange syndrome 1 (CDLS1). Also called: TYPUS DEGENERATIVUS AMSTELODAMENSIS; Brachmann de Lange syndrome; NIPBL-Related Cornelia de Lange Syndrome. Identifiers: Orphanet 199, MedGen C4551851, MONDO:0007387, OMIM 122470.

Allele frequency attached by ClinVar (database versions not stated): gnomAD 0.00001; gnomAD exomes 0.00003; ExAC 0.00004.
gnomAD v4.1: 42 of 1,612,710 alleles (0.0026%); highest among the groups gnomAD compares: South Asian, 0.026%; no homozygotes.

Submission:

Labcorp Genetics (formerly Invitae), Labcorp
Classification: Uncertain significance for Cornelia de Lange syndrome 1. Last evaluated: 2022-02-28. Review status: criteria provided, single submitter. Criteria: Invitae Variant Classification Sherloc (09022015). Collection method: clinical testing. Allele origin: germline.
Comment: In summary, the available evidence is currently insufficient to determine the role of this variant in disease. Therefore, it has been classified as a Variant of Uncertain Significance. Algorithms developed to predict the effect of sequence changes on RNA splicing suggest that this variant may create or strengthen a splice site. Advanced modeling of protein sequence and biophysical properties (such as structural, functional, and spatial information, amino acid conservation, physicochemical variation, residue mobility, and thermodynamic stability) performed at Invitae indicates that this missense variant is not expected to disrupt NIPBL protein function. This variant has not been reported in the literature in individuals affected with NIPBL-related conditions. This variant is present in population databases (rs781159621, gnomAD 0.03%). This sequence change replaces methionine, which is neutral and non-polar, with valine, which is neutral and non-polar, at codon 264 of the NIPBL protein (p.Met264Val).

NM_133433.4(NIPBL):c.790A>G (p.Met264Val)

Gene: NIPBL (NIPBL cohesin loading factor; plus strand). Cytogenetic location: 5p13.2.
Variant type: single nucleotide variant.
Coding change: c.790A>G on transcript NM_133433.4 (MANE Select); coding-DNA position 790, A replaced by G.
Protein change: p.Met264Val; replaces methionine 264 with valine.
Molecular consequence: missense variant.
Genome position (GRCh38, 1-based): chr5:36,971,963, A>G. VCF-style: chr5-36971963-A-G. GRCh37 (hg19) VCF-style: chr5-36972065-A-G.
Other names: c.790A>G, p.Met264Val (NM_015384.5); short protein forms M264V.
Identifiers: ClinVar variation 2056438 (VCV002056438.4), dbSNP rs781159621, ClinGen allele CA3235928.